The following is an entry in ClinVar:

ClinVar aggregate classification (germline): Uncertain significance (1 of 4 stars; one submission).

Conditions:
Autosomal dominant striatal neurodegeneration type 1. Identifiers: Orphanet 228169, MedGen C4310808, MONDO:0012205, OMIM 609161.

Submission:

Centre for Mendelian Genomics, University Medical Centre Ljubljana
Classification: Uncertain significance for Autosomal dominant striatal neurodegeneration type 1. Last evaluated: 2019-08-20. Review status: criteria provided, single submitter. Criteria: ACMG Guidelines, 2015. Collection method: clinical testing. Allele origin: unknown. Affected: yes.
Comment: This variant was classified as: Uncertain significance. The available evidence on this variant's pathogenicity is insufficient or conflicting. The following ACMG criteria were applied in classifying this variant: PM2.

NM_003719.5(PDE8B):c.2649dup (p.Asp884Ter)

Gene: PDE8B (phosphodiesterase 8B; plus strand). Cytogenetic location: 5q13.3.
Variant type: Duplication.
Coding change: c.2649dup on transcript NM_003719.5 (MANE Select); coding-DNA position 2649, one base duplicated (T; older notation c.2649dupT).
Protein change: p.Asp884Ter; replaces aspartic acid 884 with a stop codon.
Molecular consequence: nonsense. On other transcripts: 3 prime UTR variant (2).
Genome position (GRCh38, 1-based): chr5:77,426,545, T duplicated. VCF-style (leftmost placement, unchanged base first): chr5-77426544-C-CT. GRCh37 (hg19) VCF-style: chr5-76722369-C-CT.
Other names: c.2358dup, p.Asp787Ter (NM_001029851.4); c.2484dup, p.Asp829Ter (NM_001029852.4); c.2589dup, p.Asp864Ter (NM_001029853.4); c.2508dup, p.Asp837Ter (NM_001029854.4); c.2646dup, p.Asp883Ter (NM_001349748.3); c.2712dup, p.Asp905Ter (NM_001349749.3); c.2409dup, p.Asp804Ter (NM_001349750.3); c.*77dup (NM_001349751.3, NM_001376072.1); and 13 more; short protein forms D735*, D786*, D864*, D905*, D756*, D884*, D666*, D686*.
Identifiers: ClinVar variation 930740 (VCV000930740.3), dbSNP rs1798184496, ClinGen allele CA1139658897.